The following is an entry in ClinVar:

ClinVar aggregate classification (germline): Uncertain significance. Review status: criteria provided, multiple submitters, no conflicts (2 of 4 stars). 2 submissions from 2 submitters: Uncertain significance (2). Last evaluated 2025-06-12.

Conditions:
Gastrointestinal stromal tumor. Also called: Gastrointestinal stromal tumor, somatic; Gastrointestinal stroma tumor. Identifiers: Orphanet 44890, MedGen C0238198, MeSH D046152, MONDO:0011719, OMIM 606764, HP:0100723.
Hereditary cancer-predisposing syndrome. Also called: Hereditary Cancer Syndrome; Tumor predisposition; Neoplastic Syndromes, Hereditary; Hereditary neoplastic syndrome. Identifiers: Orphanet 140162, MedGen C0027672, MeSH D009386, MONDO:0015356.

Allele frequency attached by ClinVar (database versions not stated): gnomAD exomes below 0.00001; gnomAD 0.00001; TOPMed 0.00001.
gnomAD v4.1: 4 of 1,613,588 alleles (0.00025%); highest among the groups gnomAD compares: African/African-American, 0.004%; no homozygotes.

Submissions (2):

Ambry Genetics
Classification: Uncertain significance for Hereditary cancer-predisposing syndrome. Last evaluated: 2025-06-12. Review status: criteria provided, single submitter. Criteria: Ambry Variant Classification Scheme 2023. Collection method: clinical testing. Allele origin: germline.
Comment: The p.M899T variant (also known as c.2696T>C), located in coding exon 19 of the KIT gene, results from a T to C substitution at nucleotide position 2696. The methionine at codon 899 is replaced by threonine, an amino acid with similar properties. This amino acid position is well conserved in available vertebrate species. In addition, this alteration is predicted to be deleterious by in silico analysis. Based on the available evidence, the clinical significance of this variant remains unclear.

Labcorp Genetics (formerly Invitae), Labcorp
Classification: Uncertain significance for Gastrointestinal stromal tumor. Last evaluated: 2024-08-28. Review status: criteria provided, single submitter. Criteria: Invitae Variant Classification Sherloc (09022015). Collection method: clinical testing. Allele origin: germline.
Comment: This sequence change replaces methionine, which is neutral and non-polar, with threonine, which is neutral and polar, at codon 899 of the KIT protein (p.Met899Thr). This variant is not present in population databases (gnomAD no frequency). This variant has not been reported in the literature in individuals affected with KIT-related conditions. ClinVar contains an entry for this variant (Variation ID: 582396). An algorithm developed to predict the effect of missense changes on protein structure and function (PolyPhen-2) suggests that this variant is likely to be disruptive. In summary, the available evidence is currently insufficient to determine the role of this variant in disease. Therefore, it has been classified as a Variant of Uncertain Significance.

NM_000222.3(KIT):c.2696T>C (p.Met899Thr)

Gene: KIT (KIT proto-oncogene, receptor tyrosine kinase; plus strand). Cytogenetic location: 4q12.
Variant type: single nucleotide variant.
Coding change: c.2696T>C on transcript NM_000222.3 (MANE Select); coding-DNA position 2696, T replaced by C.
Protein change: p.Met899Thr; replaces methionine 899 with threonine.
Molecular consequence: missense variant.
Genome position (GRCh38, 1-based): chr4:54,736,820, T>C. VCF-style: chr4-54736820-T-C. GRCh37 (hg19) VCF-style: chr4-55602986-T-C.
Other names: c.2684T>C, p.Met895Thr (NM_001093772.2, NM_001385292.1); c.2699T>C, p.Met900Thr (NM_001385284.1); c.2693T>C, p.Met898Thr (NM_001385285.1); c.2681T>C, p.Met894Thr (NM_001385286.1); c.2687T>C, p.Met896Thr (NM_001385288.1); c.2696T>C, p.Met899Thr (NM_001385290.1); short protein forms M899T, M895T, M894T, M896T, M898T, M900T.
Identifiers: ClinVar variation 582396 (VCV000582396.8), dbSNP rs1307420759, ClinGen allele CA356914104.
Genomic context (GRCh38, chr4:54,736,820, plus strand): 5'-TCTACAAGATGATCAAGGAAGGCTTCCGGATGCTCAGCCCTGAACACGCACCTGCTGAAA[T>C]GTAAGAGCCAAAAAATTTTTCCTTTAGGTCACGTTTTCCCTTTTATTTTTCTTTTTAGAG-3'
Protein context (NP_000213.1, residues 889-909): MLSPEHAPAE[Met899Thr]YDIMKTCWDA